The following is an entry in ClinVar:

ClinVar aggregate classification (germline): Uncertain significance (1 of 4 stars; one submission).

Conditions:
Autosomal recessive limb-girdle muscular dystrophy type 2J (LGMDR10). Also called: Limb-girdle muscular dystrophy, type 2J; MUSCULAR DYSTROPHY, LIMB-GIRDLE, AUTOSOMAL RECESSIVE 10. Identifiers: Orphanet 140922, MedGen C1837342, MONDO:0012127, OMIM 608807.
Dilated cardiomyopathy 1G (CMD1G). Identifiers: Orphanet 154, MedGen C1858763, MONDO:0011400, OMIM 604145.

Submission:

Labcorp Genetics (formerly Invitae), Labcorp
Classification: Uncertain significance for Dilated cardiomyopathy 1G; Autosomal recessive limb-girdle muscular dystrophy type 2J. Last evaluated: 2025-07-27. Review status: criteria provided, single submitter. Criteria: Invitae Variant Classification Sherloc (09022015). Collection method: clinical testing. Allele origin: germline.
Comment: This sequence change replaces glutamic acid, which is acidic and polar, with glycine, which is neutral and non-polar, at codon 34231 of the TTN protein (p.Glu34231Gly). This variant is not present in population databases (gnomAD no frequency). This variant has not been reported in the literature in individuals affected with TTN-related conditions. Experimental studies and prediction algorithms are not available or were not evaluated, and the functional significance of this variant is currently unknown. This variant is located in the M band of TTN (PMID: 25589632). Non-truncating variants in this region may be relevant for neuromuscular disorders, but have not been definitively shown to cause cardiomyopathy (PMID: 23975875). In summary, the available evidence is currently insufficient to determine the role of this variant in disease. Therefore, it has been classified as a Variant of Uncertain Significance.

Literature cited by the submitters: PubMed 25589632; PubMed 23975875.

NM_001267550.2(TTN):c.102692A>G (p.Glu34231Gly)

Genes: TTN-AS1 (TTN antisense RNA 1; plus strand), TTN (titin; minus strand). Cytogenetic location: 2q31.2.
Variant type: single nucleotide variant.
Coding change: c.102692A>G on transcript NM_001267550.2 (MANE Select); coding-DNA position 102692, A replaced by G.
Protein change: p.Glu34231Gly; replaces glutamic acid 34231 with glycine.
Molecular consequence: missense variant.
Genome position (GRCh38, 1-based): chr2:178,533,923, T>C on the plus strand (A>G on the coding strand, the complement: TTN is on the minus strand). VCF-style: chr2-178533923-T-C. GRCh37 (hg19) VCF-style: chr2-179398650-T-C.
Other names: c.97769A>G, p.Glu32590Gly (NM_001256850.1); c.75497A>G, p.Glu25166Gly (NM_003319.4); c.94988A>G, p.Glu31663Gly (NM_133378.4); c.75872A>G, p.Glu25291Gly (NM_133432.3); c.76073A>G, p.Glu25358Gly (NM_133437.4); short protein forms E25166G, E25291G, E25358G, E31663G, E32590G, E34231G.
Identifiers: ClinVar variation 4785652 (VCV004785652.1).